The following is an entry in ClinVar:

ClinVar aggregate classification (germline): Benign. Review status: criteria provided, multiple submitters, no conflicts (2 of 4 stars). 11 submissions from 8 submitters: Benign (11). Last evaluated 2026-02-01.

Conditions:
Mitochondrial DNA depletion syndrome 14B (cardioencephalomyopathic type). Also called: Mitochondrial DNA depletion syndrome 14 (encephalocardiomyopathic type); Mitochondrial DNA depletion syndrome 14 (cardioencephalomyopathic type). Identifiers: MedGen C6065890, MONDO:0014820, OMIM 616896.
Abortive cerebellar ataxia (BEHRS). Also called: OPTIC ATROPHY, INFANTILE HEREDITARY, WITH NEUROLOGIC ABNORMALITIES; Behr syndrome. Identifiers: Orphanet 1239, MedGen C0221061, MONDO:0008858, OMIM 210000.
Optic atrophy with or without deafness, ophthalmoplegia, myopathy, ataxia, and neuropathy. Also called: OPTIC ATROPHY PLUS SYNDROME. Identifiers: MedGen C3276549, MONDO:0007429, OMIM 125250.
Autosomal dominant optic atrophy classic form (OPA1). Also called: OPTIC ATROPHY, JUVENILE; Optic Atrophy Type 1; KJER-TYPE OPTIC ATROPHY. Identifiers: Orphanet 98673, MedGen C0338508, MONDO:0008134, OMIM 165500.

Allele frequency attached by ClinVar (database versions not stated): gnomAD 0.00304 and 0.00229; ESP Exome Variant Server 0.00315; ExAC 0.00675; 1000 Genomes Project 30x 0.00687; TOPMed 0.00320; gnomAD exomes 0.00422 and 0.00645; 1000 Genomes Project 0.00759.
gnomAD v4.1: 6,682 of 1,612,714 alleles (0.41%); highest among the groups gnomAD compares: South Asian, 2.3%; 85 homozygotes.

Submissions (11):

Labcorp Genetics (formerly Invitae), Labcorp
Classification: Benign. Last evaluated: 2026-02-01. Review status: criteria provided, single submitter. Criteria: Invitae Variant Classification Sherloc (09022015). Collection method: clinical testing. Allele origin: germline.

Mayo Clinic Laboratories, Mayo Clinic
Classification: Benign. Last evaluated: 2024-02-12. Review status: criteria provided, single submitter. Criteria: ACMG Guidelines, 2015. Collection method: clinical testing. Allele origin: germline. Observed: 17 variant alleles.

Genome-Nilou Lab
Classification: Benign for Mitochondrial DNA depletion syndrome 14B (cardioencephalomyopathic type). Last evaluated: 2021-09-05. Review status: criteria provided, single submitter. Criteria: ACMG Guidelines, 2015. Collection method: clinical testing. Allele origin: germline. Affected: no.

Genome-Nilou Lab
Classification: Benign for Abortive cerebellar ataxia. Last evaluated: 2021-09-05. Review status: criteria provided, single submitter. Criteria: ACMG Guidelines, 2015. Collection method: clinical testing. Allele origin: germline. Affected: no.

Genome-Nilou Lab
Classification: Benign for Autosomal dominant optic atrophy classic form. Last evaluated: 2021-09-05. Review status: criteria provided, single submitter. Criteria: ACMG Guidelines, 2015. Collection method: clinical testing. Allele origin: germline. Affected: no.

Genome-Nilou Lab
Classification: Benign for Optic atrophy with or without deafness, ophthalmoplegia, myopathy, ataxia, and neuropathy. Last evaluated: 2021-09-05. Review status: criteria provided, single submitter. Criteria: ACMG Guidelines, 2015. Collection method: clinical testing. Allele origin: germline. Affected: no.

Illumina Laboratory Services, Illumina
Classification: Benign for Autosomal dominant optic atrophy classic form. Last evaluated: 2018-01-13. Review status: criteria provided, single submitter. Criteria: ICSL Variant Classification Criteria 13 December 2019. Collection method: clinical testing. Allele origin: germline.
Comment: This variant was observed in the ICSL laboratory as part of a predisposition screen in an ostensibly healthy population. It had not been previously curated by ICSL or reported in the Human Gene Mutation Database (HGMD: prior to June 1st, 2018), and was therefore a candidate for classification through an automated scoring system. Utilizing variant allele frequency, disease prevalence and penetrance estimates, and inheritance mode, an automated score was calculated to assess if this variant is too frequent to cause the disease. Based on the score and internal cut-off values, a variant classified as benign is not then subjected to further curation. The score for this variant resulted in a classification of benign for this disease.

Athena Diagnostics
Classification: Benign. Last evaluated: 2017-02-03. Review status: criteria provided, single submitter. Criteria: Athena Diagnostics Criteria. Collection method: clinical testing. Allele origin: germline.

GeneDx
Classification: Benign. Last evaluated: 2014-04-23. Review status: criteria provided, single submitter. Criteria: GeneDx Variant Classification (06012015). Collection method: clinical testing. Allele origin: germline. Affected: yes.
Comment: This variant is considered likely benign or benign based on one or more of the following criteria: it is a conservative change, it occurs at a poorly conserved position in the protein, it is predicted to be benign by multiple in silico algorithms, and/or has population frequency not consistent with disease.

Eurofins Ntd Llc (ga)
Classification: Benign. Last evaluated: 2013-03-06. Review status: criteria provided, single submitter. Criteria: EGL Classification Definitions 2015. Collection method: clinical testing. Allele origin: germline. Observed: 7 variant alleles, 7 heterozygotes.

Breakthrough Genomics
Classification: Benign. Review status: criteria provided, single submitter. Criteria: ACMG Guidelines, 2015. Collection method: not provided. Allele origin: germline. Inheritance: Autosomal recessive inheritance. Affected: yes.

Literature cited by the submitters: PubMed 23401657 (cited by Athena Diagnostics); PubMed 20801516 (cited by Athena Diagnostics); PubMed 26206283 (cited by Athena Diagnostics).

NM_130837.3(OPA1):c.43C>A (p.Gln15Lys)

Gene: OPA1 (OPA1 mitochondrial dynamin like GTPase; plus strand). Cytogenetic location: 3q29.
Variant type: single nucleotide variant.
Coding change: c.43C>A on transcript NM_130837.3 (MANE Select); coding-DNA position 43, C replaced by A.
Protein change: p.Gln15Lys; replaces glutamine 15 with lysine.
Molecular consequence: missense variant. On other transcripts: 5 prime UTR variant (2).
Genome position (GRCh38, 1-based): chr3:193,614,733, C>A. VCF-style: chr3-193614733-C-A. GRCh37 (hg19) VCF-style: chr3-193332522-C-A.
Other names: p.Q15K:CAG>AAG; c.-330C>A (NM_001354663.2, NM_001354664.2); c.43C>A, p.Gln15Lys (NM_015560.3, NM_130831.3, NM_130832.3 and 4 more transcripts); short protein forms Q15K.
Identifiers: ClinVar variation 95726 (VCV000095726.21), dbSNP rs75414918, ClinGen allele CA285728.
Genomic context (GRCh38, chr3:193,614,733, plus strand): 5'-TTGTACTGTTACCCTCTCTGATCTTTCTTCCATATTCATTTTTCTTTCAGTGAGGTCTGC[C>A]AGTCTTTAGTGAAACACAGCTCTGGAATAAAAGGAAGTTTACCACTACAAAAACTACATC-3'
Protein context (NP_570850.2, residues 5-25): RRAAVACEVC[Gln15Lys]SLVKHSSGIK